The following is an entry in ClinVar:

ClinVar aggregate classification (germline): Uncertain significance (1 of 4 stars; one submission).

Submission:

Labcorp Genetics (formerly Invitae), Labcorp
Classification: Uncertain significance. Last evaluated: 2024-10-29. Review status: criteria provided, single submitter. Criteria: Invitae Variant Classification Sherloc (09022015). Collection method: clinical testing. Allele origin: germline.
Comment: This sequence change replaces histidine, which is basic and polar, with tyrosine, which is neutral and polar, at codon 970 of the CNTNAP1 protein (p.His970Tyr). This variant is not present in population databases (gnomAD no frequency). This variant has not been reported in the literature in individuals affected with CNTNAP1-related conditions. ClinVar contains an entry for this variant (Variation ID: 2075680). An algorithm developed to predict the effect of missense changes on protein structure and function (PolyPhen-2) suggests that this variant is likely to be tolerated. In summary, the available evidence is currently insufficient to determine the role of this variant in disease. Therefore, it has been classified as a Variant of Uncertain Significance.

NM_003632.3(CNTNAP1):c.2908C>T (p.His970Tyr)

Gene: CNTNAP1 (contactin associated protein 1; plus strand). Cytogenetic location: 17q21.2.
Variant type: single nucleotide variant.
Coding change: c.2908C>T on transcript NM_003632.3 (MANE Select); coding-DNA position 2908, C replaced by T.
Protein change: p.His970Tyr; replaces histidine 970 with tyrosine.
Molecular consequence: missense variant.
Genome position (GRCh38, 1-based): chr17:42,693,452, C>T. VCF-style: chr17-42693452-C-T. GRCh37 (hg19) VCF-style: chr17-40845470-C-T.
Other names: short protein forms H970Y.
Identifiers: ClinVar variation 2075680 (VCV002075680.4), dbSNP rs2543801039, ClinGen allele CA399652727.
Genomic context (GRCh38, chr17:42,693,452, plus strand): 5'-TCTGAGGGTACCTCACCCAACTGCACAGGCCACTGTGCCCACCCTCGGCTCCCCTGTTTC[C>T]ATGGAGGCCGCTGCGTGGAGCGCTATAGCTACTACACGTGTGACTGTGACCTCACGGCTT-3'
Protein context (NP_003623.1, residues 960-980): HCAHPRLPCF[His970Tyr]GGRCVERYSY